The following is an entry in ClinVar:

NM_000059.4(BRCA2):c.1458G>C (p.Gln486His)

Gene: BRCA2 (BRCA2 DNA repair associated; plus strand). Cytogenetic location: 13q13.1.
Variant type: single nucleotide variant.
Coding change: c.1458G>C on transcript NM_000059.4 (MANE Select); coding-DNA position 1458, G replaced by C.
Protein change: p.Gln486His; replaces glutamine 486 with histidine.
Molecular consequence: missense variant.
Genome position (GRCh38, 1-based): chr13:32,332,936, G>C. VCF-style: chr13-32332936-G-C. GRCh37 (hg19) VCF-style: chr13-32907073-G-C.
Other names: short protein forms Q486H.
Identifiers: ClinVar variation 1461135 (VCV001461135.7), dbSNP rs61753156, ClinGen allele CA387764359.
Genomic context (GRCh38, chr13:32,332,936, plus strand): 5'-TAAGAGAGATGAAGAGCAGCATCTTGAATCTCATACAGACTGCATTCTTGCAGTAAAGCA[G>C]GCAATATCTGGAACTTCTCCAGTGGCTTCTTCATTTCAGGGTATCAAAAAGTCTATATTC-3'
Protein context (NP_000050.3, residues 476-496): SHTDCILAVK[Gln486His]AISGTSPVAS

ClinVar aggregate classification (germline): Conflicting classifications of pathogenicity. Review status: criteria provided, conflicting classifications (1 of 4 stars). 2 submissions from 2 submitters: Uncertain significance (1); Likely benign (1). Last evaluated 2023-03-23.

Conditions:
Hereditary breast ovarian cancer syndrome. Also called: Hereditary breast and ovarian cancer; Breast and ovarian cancer; BRCA1- and BRCA2-Associated Hereditary Breast and Ovarian Cancer; Hereditary breast and/or ovarian cancer syndrome; Hereditary breast and ovarian cancer syndrome; Hereditary breast and ovarian cancer syndrome (HBOC). Identifiers: Orphanet 145, MedGen C0677776, MeSH D061325, MONDO:0003582. Disease mechanism: loss of function.
Hereditary cancer-predisposing syndrome. Also called: Tumor predisposition; Hereditary neoplastic syndrome; Hereditary Cancer Syndrome; Neoplastic Syndromes, Hereditary. Identifiers: Orphanet 140162, MedGen C0027672, MeSH D009386, MONDO:0015356.

Submissions (2):

University of Washington Department of Laboratory Medicine, University of Washington
Classification: Likely benign for Hereditary cancer-predisposing syndrome. Last evaluated: 2023-03-23. Review status: criteria provided, single submitter. Criteria: Dines et al. (Genet Med. 2020). Collection method: curation. Allele origin: germline.
Comment: Missense variant in a coldspot region where missense variants are very unlikely to be pathogenic (PMID:31911673).

BRCA2 exon 10 coldspot. Reclassification based on statistical prior probability.

Labcorp Genetics (formerly Invitae), Labcorp
Classification: Uncertain significance for Hereditary breast ovarian cancer syndrome. Last evaluated: 2021-10-01. Review status: criteria provided, single submitter. Criteria: Invitae Variant Classification Sherloc (09022015). Collection method: clinical testing. Allele origin: germline.
Comment: This sequence change replaces glutamine with histidine at codon 486 of the BRCA2 protein (p.Gln486His). The glutamine residue is moderately conserved and there is a small physicochemical difference between glutamine and histidine. This variant is not present in population databases (ExAC no frequency). This variant has not been reported in the literature in individuals affected with BRCA2-related conditions. Advanced modeling of protein sequence and biophysical properties (such as structural, functional, and spatial information, amino acid conservation, physicochemical variation, residue mobility, and thermodynamic stability) performed at Invitae indicates that this missense variant is not expected to disrupt BRCA2 protein function. In summary, the available evidence is currently insufficient to determine the role of this variant in disease. Therefore, it has been classified as a Variant of Uncertain Significance.